The following is an entry in ClinVar:

ClinVar aggregate classification (germline): Conflicting classifications of pathogenicity. Review status: criteria provided, conflicting classifications (1 of 4 stars). 5 submissions from 5 submitters: Uncertain significance (1); Likely benign (4). Last evaluated 2026-09-01.

Conditions:
Orofaciodigital syndrome I (OFD1). Also called: Papillon-Leage and Psaume Syndrome; Oral-Facial-Digital Syndrome Type I; OFDS I. Identifiers: Orphanet 2750, MedGen C1510460, MONDO:0010702, OMIM 311200.
Joubert syndrome. Also called: JOUBERT-BOLTSHAUSER SYNDROME; Familial aplasia of the vermis. Identifiers: Orphanet 475, MedGen C5979921, MONDO:0018772.

Allele frequency attached by ClinVar (database versions not stated): ExAC 0.00001; gnomAD exomes 0.00001; TOPMed 0.00001; gnomAD 0.00002 and 0.00003.
gnomAD v4.1: 13 of 1,173,455 alleles (0.0011%); highest among the groups gnomAD compares: African/African-American, 0.011%; no homozygotes.

Submissions (5):

CeGaT Center for Human Genetics Tuebingen
Classification: Likely benign. Last evaluated: 2026-09-01. Review status: criteria provided, single submitter. Criteria: CeGaT Center For Human Genetics Tuebingen Variant Classification Criteria Version 2. Collection method: clinical testing. Allele origin: germline. Affected: yes. Observed: 2 variant alleles.
Comment: OFD1: BS2

Labcorp Genetics (formerly Invitae), Labcorp
Classification: Uncertain significance for Orofaciodigital syndrome I; Joubert syndrome. Last evaluated: 2026-01-06. Review status: criteria provided, single submitter. Criteria: Invitae Variant Classification Sherloc (09022015). Collection method: clinical testing. Allele origin: germline.
Comment: This sequence change replaces glycine, which is neutral and non-polar, with glutamic acid, which is acidic and polar, at codon 693 of the OFD1 protein (p.Gly693Glu). This variant is present in population databases (rs754615597, gnomAD 0.001%). This variant has not been reported in the literature in individuals affected with OFD1-related conditions. ClinVar contains an entry for this variant (Variation ID: 1205597). Invitae Evidence Modeling of protein sequence and biophysical properties (such as structural, functional, and spatial information, amino acid conservation, physicochemical variation, residue mobility, and thermodynamic stability) indicates that this missense variant is not expected to disrupt OFD1 protein function with a negative predictive value of 80%. In summary, the available evidence is currently insufficient to determine the role of this variant in disease. Therefore, it has been classified as a Variant of Uncertain Significance.

Blueprint Genetics
Classification: Likely benign. Last evaluated: 2024-01-18. Review status: criteria provided, single submitter. Criteria: ACMG Guidelines, 2015. Collection method: clinical testing. Allele origin: germline.

GeneDx
Classification: Likely benign. Last evaluated: 2020-07-21. Review status: criteria provided, single submitter. Criteria: GeneDx Variant Classification Process June 2021. Collection method: clinical testing. Allele origin: germline. Affected: yes.

Genetic Services Laboratory, University of Chicago
Classification: Likely benign. Last evaluated: 2019-11-27. Review status: criteria provided, single submitter. Criteria: ACMG Guidelines, 2015. Collection method: clinical testing. Allele origin: germline. Affected: no.

NM_003611.3(OFD1):c.2078G>A (p.Gly693Glu)

Gene: OFD1 (OFD1 centriole and centriolar satellite protein; plus strand). Cytogenetic location: Xp22.2.
Variant type: single nucleotide variant.
Coding change: c.2078G>A on transcript NM_003611.3 (MANE Select); coding-DNA position 2078, G replaced by A.
Protein change: p.Gly693Glu; replaces glycine 693 with glutamic acid.
Molecular consequence: missense variant.
Genome position (GRCh38, 1-based): chrX:13,760,538, G>A. VCF-style: chrX-13760538-G-A. GRCh37 (hg19) VCF-style: chrX-13778657-G-A.
Other names: c.1958G>A, p.Gly653Glu (NM_001330209.2); c.1658G>A, p.Gly553Glu (NM_001330210.2); short protein forms G553E, G653E, G693E.
Identifiers: ClinVar variation 1205597 (VCV001205597.48), dbSNP rs754615597, ClinGen allele CA10351928.